The following is an entry in ClinVar:

NM_006031.6(PCNT):c.5340C>G (p.Ala1780=)

Gene: PCNT (pericentrin; plus strand). Cytogenetic location: 21q22.3.
Variant type: single nucleotide variant.
Coding change: c.5340C>G on transcript NM_006031.6 (MANE Select); coding-DNA position 5340, C replaced by G.
Protein change: p.Ala1780=; no amino-acid change (alanine 1780 retained).
Molecular consequence: synonymous variant.
Genome position (GRCh38, 1-based): chr21:46,411,413, C>G. VCF-style: chr21-46411413-C-G. GRCh37 (hg19) VCF-style: chr21-47831327-C-G.
Other names: c.4986C>G, p.Ala1662= (NM_001315529.2); c.5340C>G (NM_006031.5).
Identifiers: ClinVar variation 2868482 (VCV002868482.4), dbSNP rs367986616, ClinGen allele CA10079953.

ClinVar aggregate classification (germline): Likely benign. Review status: criteria provided, multiple submitters, no conflicts (2 of 4 stars). 2 submissions from 2 submitters: Likely benign (2). Last evaluated 2025-05-23.

Conditions:
PCNT-related disorder. Also called: PCNT-related condition.

gnomAD v4.1: 12 of 1,613,194 alleles (0.00074%); highest among the groups gnomAD compares: South Asian, 0.0055%; no homozygotes.

Submissions (2):

Labcorp Genetics (formerly Invitae), Labcorp
Classification: Likely benign. Last evaluated: 2025-05-23. Review status: criteria provided, single submitter. Criteria: Invitae Variant Classification Sherloc (09022015). Collection method: clinical testing. Allele origin: germline.

PreventionGenetics, part of Exact Sciences
Classification: Likely benign for PCNT-related condition. Last evaluated: 2025-01-17. Review status: criteria provided, single submitter. Criteria: ACMG Guidelines, 2015. Collection method: clinical testing. Allele origin: germline.
Comment: This variant is classified as likely benign based on ACMG/AMP sequence variant interpretation guidelines (Richards et al. 2015 PMID: 25741868, with internal and published modifications).